The following is an entry in ClinVar:

NM_001378454.1(ALMS1):c.2893T>C (p.Tyr965His)

Gene: ALMS1 (ALMS1 centrosome and basal body associated protein; plus strand). Cytogenetic location: 2p13.1.
Variant type: single nucleotide variant.
Coding change: c.2893T>C on transcript NM_001378454.1 (MANE Select); coding-DNA position 2893, T replaced by C.
Protein change: p.Tyr965His; replaces tyrosine 965 with histidine.
Molecular consequence: missense variant.
Genome position (GRCh38, 1-based): chr2:73,449,420, T>C. VCF-style: chr2-73449420-T-C. GRCh37 (hg19) VCF-style: chr2-73676547-T-C.
Other names: c.2890T>C (NM_015120.4); c.2896T>C, p.Tyr966His (NM_015120.4); short protein forms Y966H, Y965H.
Identifiers: ClinVar variation 432709 (VCV000432709.20), dbSNP rs201180147, ClinGen allele CA1713431.

ClinVar aggregate classification (germline): Conflicting classifications of pathogenicity. Review status: criteria provided, conflicting classifications (1 of 4 stars). 7 submissions from 7 submitters: Uncertain significance (5); Likely benign (1). 1 of the submissions does not count toward it. Last evaluated 2026-01-12.

Conditions:
Cardiovascular phenotype. Identifiers: MedGen CN230736.
Alstrom syndrome (ALMS). Identifiers: Orphanet 64, MedGen C0268425, MONDO:0008763, OMIM 203800.

Allele frequency attached by ClinVar (database versions not stated): ExAC 0.00012; gnomAD exomes 0.00013 and 0.00020; ESP Exome Variant Server 0.00017; gnomAD 0.00017 and 0.00018; TOPMed 0.00020.
gnomAD v4.1: 316 of 1,614,006 alleles (0.02%); highest among the groups gnomAD compares: Non-Finnish European, 0.026%; no homozygotes.

Submissions (7):

Labcorp Genetics (formerly Invitae), Labcorp
Classification: Uncertain significance for Alstrom syndrome. Last evaluated: 2026-01-12. Review status: criteria provided, single submitter. Criteria: Invitae Variant Classification Sherloc (09022015). Collection method: clinical testing. Allele origin: germline.
Comment: This sequence change replaces tyrosine, which is neutral and polar, with histidine, which is basic and polar, at codon 966 of the ALMS1 protein (p.Tyr966His). This variant is present in population databases (rs201180147, gnomAD 0.03%). This variant has not been reported in the literature in individuals affected with ALMS1-related conditions. ClinVar contains an entry for this variant (Variation ID: 432709). Experimental studies and prediction algorithms are not available or were not evaluated, and the functional significance of this variant is currently unknown. In summary, the available evidence is currently insufficient to determine the role of this variant in disease. Therefore, it has been classified as a Variant of Uncertain Significance.

GeneDx
Classification: Uncertain significance. Last evaluated: 2025-03-16. Review status: criteria provided, single submitter. Criteria: GeneDx Variant Classification Process June 2021. Collection method: clinical testing. Allele origin: germline. Affected: yes.
Comment: In silico analysis indicates that this missense variant does not alter protein structure/function; Has not been previously published as pathogenic or benign to our knowledge

Ambry Genetics
Classification: Likely benign for Cardiovascular phenotype. Last evaluated: 2024-08-21. Review status: criteria provided, single submitter. Criteria: Ambry Variant Classification Scheme 2023. Collection method: clinical testing. Allele origin: germline.

ARUP Laboratories, Molecular Genetics and Genomics, ARUP Laboratories
Classification: Uncertain significance for Alstrom syndrome. Last evaluated: 2024-01-29. Review status: criteria provided, single submitter. Criteria: ARUP Molecular Germline Variant Investigation Process 2024. Collection method: clinical testing. Allele origin: germline.
Comment: The ALMS1 c.2893T>C; p.Tyr965His variant (rs201180147), to our knowledge, is not reported in the medical literature but is reported in ClinVar (Variation ID: 432709). This variant is found in the non-Finnish European population with an allele frequency of 0.025% (32/127,588 alleles) in the Genome Aggregation Database (v2.1.1). Computational analyses predict that this variant is neutral (REVEL: 0.023). However, given the lack of clinical and functional data, the significance of this variant is uncertain at this time.

Fulgent Genetics
Classification: Uncertain significance for Alstrom syndrome. Last evaluated: 2022-02-15. Review status: criteria provided, single submitter. Criteria: ACMG Guidelines, 2015. Collection method: clinical testing. Allele origin: unknown.

Laboratory for Molecular Medicine, Mass General Brigham Personalized Medicine
Classification: Uncertain significance. Last evaluated: 2018-12-04. Review status: criteria provided, single submitter. Criteria: LMM Criteria. Collection method: clinical testing. Allele origin: germline. Observed: 1 variant allele.
Comment: The p.Tyr966His variant in ALMS1 has not been previously reported in individuals with hearing loss or Alstrom syndrome, but has been identified in 0.03% (32/127 588) of European chromosomes by gnomAD. This variant has also been reported in ClinVar (Variation ID 432709). Computational p rediction tools and conservation analysis suggest that this variant may not impa ct the protein, though this information is not predictive enough to rule out pat hogenicity. In summary, the clinical significance of the p.Tyr966His variant is uncertain. ACMG/AMP Criteria applied: PM2_Supporting, BP4.

Natera, Inc.
Classification: Uncertain significance for Alstrom syndrome. Last evaluated: 2021-04-17. Review status: no assertion criteria provided. Collection method: clinical testing. Allele origin: germline. Not counted in ClinVar's aggregate classification.

Literature cited by the submitters: PubMed 36413997 (cited by Ambry Genetics).